The following is an entry in ClinVar:

NM_001323289.2(CDKL5):c.398A>C (p.His133Pro)

Gene: CDKL5 (cyclin dependent kinase like 5; plus strand). Cytogenetic location: Xp22.13.
Variant type: single nucleotide variant.
Coding change: c.398A>C on transcript NM_001323289.2 (MANE Select); coding-DNA position 398, A replaced by C.
Protein change: p.His133Pro; replaces histidine 133 with proline.
Molecular consequence: missense variant.
Genome position (GRCh38, 1-based): chrX:18,579,963, A>C. VCF-style: chrX-18579963-A-C. GRCh37 (hg19) VCF-style: chrX-18598083-A-C.
Other names: c.398A>C, p.His133Pro (NM_001037343.2, NM_003159.3); short protein forms H133P.
Identifiers: ClinVar variation 863243 (VCV000863243.10), dbSNP rs1925424843, ClinGen allele CA412350417.

ClinVar aggregate classification (germline): Uncertain significance (1 of 4 stars; one submission).

Conditions:
Developmental and epileptic encephalopathy, 2 (DEE2). Also called: INFANTILE SPASM SYNDROME, X-LINKED 2; CDKL5 deficiency disorder. Identifiers: Orphanet 1934, Orphanet 3451, Orphanet 505652, MedGen C4750718, MONDO:0010396, OMIM 300672.
Angelman syndrome-like. Identifiers: MedGen CN128785.

Submission:

Labcorp Genetics (formerly Invitae), Labcorp
Classification: Uncertain significance for Developmental and epileptic encephalopathy, 2; Angelman syndrome-like. Last evaluated: 2019-01-17. Review status: criteria provided, single submitter. Criteria: Invitae Variant Classification Sherloc (09022015). Collection method: clinical testing. Allele origin: germline.
Comment: In summary, the available evidence is currently insufficient to determine the role of this variant in disease. Therefore, it has been classified as a Variant of Uncertain Significance. Algorithms developed to predict the effect of missense changes on protein structure and function (SIFT, PolyPhen-2, Align-GVGD) all suggest that this variant is likely to be disruptive, but these predictions have not been confirmed by published functional studies and their clinical significance is uncertain. This variant has not been reported in the literature in individuals with CDKL5-related conditions. This variant is not present in population databases (ExAC no frequency). This sequence change replaces histidine with proline at codon 133 of the CDKL5 protein (p.His133Pro). The histidine residue is highly conserved and there is a moderate physicochemical difference between histidine and proline.